The following is an entry in ClinVar:

ClinVar aggregate classification (germline): Uncertain significance (1 of 4 stars; one submission).

Conditions:
Angelman syndrome (AS). Also called: HAPPY PUPPET SYNDROME. Identifiers: Orphanet 72, MedGen C0162635, MONDO:0007113, OMIM 105830. Disease mechanism: loss of function. Inheritance: AS is caused by disruption of maternally imprinted UBE3A located within the 15q11.2-q13 Angelman syndrome/Prader-Willi syndrome (AS/PWS) region., imprinting disorder.

Submission:

Labcorp Genetics (formerly Invitae), Labcorp
Classification: Uncertain significance for Angelman syndrome. Last evaluated: 2022-12-06. Review status: criteria provided, single submitter. Criteria: Invitae Variant Classification Sherloc (09022015). Collection method: clinical testing. Allele origin: germline.
Comment: In summary, the available evidence is currently insufficient to determine the role of this variant in disease. Therefore, it has been classified as a Variant of Uncertain Significance. Advanced modeling of protein sequence and biophysical properties (such as structural, functional, and spatial information, amino acid conservation, physicochemical variation, residue mobility, and thermodynamic stability) performed at Invitae indicates that this missense variant is not expected to disrupt UBE3A protein function. This variant has not been reported in the literature in individuals affected with UBE3A-related conditions. This variant is not present in population databases (gnomAD no frequency). This sequence change replaces asparagine, which is neutral and polar, with serine, which is neutral and polar, at codon 199 of the UBE3A protein (p.Asn199Ser).

NM_130839.5(UBE3A):c.656A>G (p.Asn219Ser)

Genes: SNHG14 (small nucleolar RNA host gene 14; plus strand), UBE3A (ubiquitin protein ligase E3A; minus strand). Cytogenetic location: 15q11.2.
Variant type: single nucleotide variant.
Coding change: c.656A>G on transcript NM_130839.5 (MANE Select); coding-DNA position 656, A replaced by G.
Protein change: p.Asn219Ser; replaces asparagine 219 with serine.
Molecular consequence: missense variant. On other transcripts: non-coding transcript variant (1), intron variant (2).
Genome position (GRCh38, 1-based): chr15:25,371,518, T>C on the plus strand (A>G on the coding strand, the complement: UBE3A is on the minus strand). VCF-style: chr15-25371518-T-C. GRCh37 (hg19) VCF-style: chr15-25616665-T-C.
Other names: c.665A>G, p.Asn222Ser (NM_000462.5); c.656A>G, p.Asn219Ser (NM_001354505.1, NM_001354538.2, NM_001354545.2); c.596A>G, p.Asn199Ser (NM_001354506.2, NM_001354507.2, NM_001354508.2 and 17 more transcripts); c.479A>G, p.Asn160Ser (NM_001354546.2); c.301+3947A>G (NM_001354551.2); c.361+3947A>G (NM_001354550.2); short protein forms N222S, N199S, N160S, N219S.
Identifiers: ClinVar variation 2812315 (VCV002812315.3), dbSNP rs2552191752, ClinGen allele CA391355365.